The following is an entry in ClinVar:

NM_001197104.2(KMT2A):c.7772A>C (p.Tyr2591Ser)

Gene: KMT2A (lysine methyltransferase 2A; plus strand). Cytogenetic location: 11q23.3.
Variant type: single nucleotide variant.
Coding change: c.7772A>C on transcript NM_001197104.2 (MANE Select); coding-DNA position 7772, A replaced by C.
Protein change: p.Tyr2591Ser; replaces tyrosine 2591 with serine.
Molecular consequence: missense variant.
Genome position (GRCh38, 1-based): chr11:118,503,664, A>C. VCF-style: chr11-118503664-A-C. GRCh37 (hg19) VCF-style: chr11-118374379-A-C.
Other names: c.7763A>C, p.Tyr2588Ser (NM_005933.4); c.7772A>C (NM_001197104.1); short protein forms Y2588S, Y2591S.
Identifiers: ClinVar variation 1675474 (VCV001675474.37), dbSNP rs374420996, ClinGen allele CA6304434.

ClinVar aggregate classification (germline): Conflicting classifications of pathogenicity. Review status: criteria provided, conflicting classifications (1 of 4 stars). 3 submissions from 3 submitters: Uncertain significance (2); Likely benign (1). Last evaluated 2025-04-28.

Conditions:
Inborn genetic diseases. Identifiers: MedGen C0950123, MeSH D030342.

Allele frequency attached by ClinVar (database versions not stated): gnomAD exomes 0.00001; ExAC 0.00002; gnomAD 0.00002; TOPMed 0.00002; ESP Exome Variant Server 0.00015.
gnomAD v4.1: 8 of 1,614,054 alleles (0.0005%); highest among the groups gnomAD compares: Non-Finnish European, 0.00068%; no homozygotes.

Submissions (3):

Labcorp Genetics (formerly Invitae), Labcorp
Classification: Uncertain significance. Last evaluated: 2025-04-28. Review status: criteria provided, single submitter. Criteria: Invitae Variant Classification Sherloc (09022015). Collection method: clinical testing. Allele origin: germline.
Comment: This sequence change replaces tyrosine, which is neutral and polar, with serine, which is neutral and polar, at codon 2591 of the KMT2A protein (p.Tyr2591Ser). This variant is present in population databases (rs374420996, gnomAD 0.003%). This variant has not been reported in the literature in individuals affected with KMT2A-related conditions. ClinVar contains an entry for this variant (Variation ID: 1675474). Invitae Evidence Modeling of protein sequence and biophysical properties (such as structural, functional, and spatial information, amino acid conservation, physicochemical variation, residue mobility, and thermodynamic stability) indicates that this missense variant is not expected to disrupt KMT2A protein function with a negative predictive value of 95%. In summary, the available evidence is currently insufficient to determine the role of this variant in disease. Therefore, it has been classified as a Variant of Uncertain Significance.

Ambry Genetics
Classification: Likely benign for Inborn genetic diseases. Last evaluated: 2023-04-05. Review status: criteria provided, single submitter. Criteria: Ambry Variant Classification Scheme 2023. Collection method: clinical testing. Allele origin: germline.

CeGaT Center for Human Genetics Tuebingen
Classification: Uncertain significance. Last evaluated: 2022-03-01. Review status: criteria provided, single submitter. Criteria: CeGaT Center For Human Genetics Tuebingen Variant Classification Criteria Version 2. Collection method: clinical testing. Allele origin: germline. Affected: yes. Observed: 1 variant allele.